The following is an entry in ClinVar:

NM_002334.4(LRP4):c.1110G>T (p.Gln370His)

Gene: LRP4 (LDL receptor related protein 4; minus strand). Cytogenetic location: 11p11.2.
Variant type: single nucleotide variant.
Coding change: c.1110G>T on transcript NM_002334.4 (MANE Select); coding-DNA position 1110, G replaced by T.
Protein change: p.Gln370His; replaces glutamine 370 with histidine.
Molecular consequence: missense variant.
Genome position (GRCh38, 1-based): chr11:46,895,957, C>A on the plus strand (G>T on the coding strand, the complement: LRP4 is on the minus strand). VCF-style: chr11-46895957-C-A. GRCh37 (hg19) VCF-style: chr11-46917508-C-A.
Other names: short protein forms Q370H.
Identifiers: ClinVar variation 2419861 (VCV002419861.4), dbSNP rs757748871, ClinGen allele CA5970263.
Genomic context (GRCh38, chr11:46,895,957, plus strand): 5'-CCCATCCTCTGTGAGCCGGTAGCCTGTGTGGCAGGTACACTGCACTGCCCCCCGCACCAT[C>A]TGGCACTTCTGGGCACAGCCACCGTTGTTAACATTGCAGTTCTCCTCACCCGTCCGGGGC-3'
Protein context (NP_002325.2, residues 360-380): VNNGGCAQKC[Gln370His]MVRGAVQCTC

ClinVar aggregate classification (germline): Uncertain significance. Review status: criteria provided, multiple submitters, no conflicts (2 of 4 stars). 2 submissions from 2 submitters: Uncertain significance (2). Last evaluated 2024-03-08.

Conditions:
Cenani-Lenz syndactyly syndrome. Also called: CENANI SYNDACTYLISM; SYNDACTYLY, TYPE VII. Identifiers: Orphanet 3258, MedGen C1859309, MONDO:0008931, OMIM 212780.
Congenital myasthenic syndrome 17. Identifiers: Orphanet 590, MedGen C4225377, MONDO:0014578, OMIM 616304.
Sclerosteosis 2 (SOST2). Identifiers: Orphanet 3152, MedGen C3280402, MONDO:0013679, OMIM 614305.

Allele frequency attached by ClinVar (database versions not stated): ExAC 0.00001; gnomAD exomes 0.00001; TOPMed 0.00001; gnomAD 0.00003.
gnomAD v4.1: 24 of 1,614,018 alleles (0.0015%); highest among the groups gnomAD compares: South Asian, 0.0022%; no homozygotes.

Submissions (2):

Fulgent Genetics
Classification: Uncertain significance for Cenani-Lenz syndactyly syndrome; Sclerosteosis 2; Congenital myasthenic syndrome 17. Last evaluated: 2024-03-08. Review status: criteria provided, single submitter. Criteria: ACMG Guidelines, 2015. Collection method: clinical testing. Allele origin: germline.

Labcorp Genetics (formerly Invitae), Labcorp
Classification: Uncertain significance for Cenani-Lenz syndactyly syndrome; Sclerosteosis 2; Congenital myasthenic syndrome 17. Last evaluated: 2022-10-13. Review status: criteria provided, single submitter. Criteria: Invitae Variant Classification Sherloc (09022015). Collection method: clinical testing. Allele origin: germline.
Comment: This sequence change replaces glutamine, which is neutral and polar, with histidine, which is basic and polar, at codon 370 of the LRP4 protein (p.Gln370His). This variant is present in population databases (rs757748871, gnomAD 0.004%). This variant has not been reported in the literature in individuals affected with LRP4-related conditions. Algorithms developed to predict the effect of missense changes on protein structure and function are either unavailable or do not agree on the potential impact of this missense change (SIFT: "Deleterious"; PolyPhen-2: "Benign"; Align-GVGD: "Class C0"). Algorithms developed to predict the effect of sequence changes on RNA splicing suggest that this variant may disrupt the consensus splice site. In summary, the available evidence is currently insufficient to determine the role of this variant in disease. Therefore, it has been classified as a Variant of Uncertain Significance.